The following is an entry in ClinVar:

NM_001003694.2(BRPF1):c.2046C>T (p.Phe682=)

Gene: BRPF1 (bromodomain and PHD finger containing 1; plus strand). Cytogenetic location: 3p25.3.
Variant type: single nucleotide variant.
Coding change: c.2046C>T on transcript NM_001003694.2 (MANE Select); coding-DNA position 2046, C replaced by T.
Protein change: p.Phe682=; no amino-acid change (phenylalanine 682 retained).
Molecular consequence: synonymous variant. On other transcripts: non-coding transcript variant (1).
Genome position (GRCh38, 1-based): chr3:9,742,988, C>T. VCF-style: chr3-9742988-C-T. GRCh37 (hg19) VCF-style: chr3-9784672-C-T.
Other names: c.2028C>T, p.Phe676= (NM_001319049.2, NM_001319050.2, NM_004634.3); c.2046C>T, p.Phe682= (NM_001410704.1).
Identifiers: ClinVar variation 2672926 (VCV002672926.24), dbSNP rs779160179, ClinGen allele CA2242012.

ClinVar aggregate classification (germline): Likely benign. Review status: criteria provided, multiple submitters, no conflicts (2 of 4 stars). 2 submissions from 2 submitters: Likely benign (2). Last evaluated 2023-11-01.

Allele frequency attached by ClinVar (database versions not stated): ExAC 0.00001; gnomAD 0.00001; gnomAD exomes 0.00001; TOPMed 0.00002.
gnomAD v4.1: 20 of 1,614,074 alleles (0.0012%); highest among the groups gnomAD compares: Middle Eastern, 0.016%; no homozygotes.

Submissions (2):

CeGaT Center for Human Genetics Tuebingen
Classification: Likely benign. Last evaluated: 2023-11-01. Review status: criteria provided, single submitter. Criteria: CeGaT Center For Human Genetics Tuebingen Variant Classification Criteria Version 2. Collection method: clinical testing. Allele origin: germline. Affected: yes. Observed: 1 variant allele.
Comment: BRPF1: BP4, BP7

Blueprint Genetics
Classification: Likely benign. Last evaluated: 2020-03-20. Review status: criteria provided, single submitter. Criteria: ACMG Guidelines, 2015. Collection method: clinical testing. Allele origin: germline.